The following is an entry in ClinVar:

NM_000441.2(SLC26A4):c.2205T>G (p.Ser735=)

Gene: SLC26A4 (solute carrier family 26 member 4; plus strand). Cytogenetic location: 7q22.3.
Variant type: single nucleotide variant.
Coding change: c.2205T>G on transcript NM_000441.2 (MANE Select); coding-DNA position 2205, T replaced by G.
Protein change: p.Ser735=; no amino-acid change (serine 735 retained).
Molecular consequence: synonymous variant.
Genome position (GRCh38, 1-based): chr7:107,710,169, T>G. VCF-style: chr7-107710169-T-G. GRCh37 (hg19) VCF-style: chr7-107350614-T-G.
Identifiers: ClinVar variation 551589 (VCV000551589.12), dbSNP rs1387758666, ClinGen allele CA457104654.

ClinVar aggregate classification (germline): Likely benign. Review status: criteria provided, single submitter (1 of 4 stars). 3 submissions from 3 submitters: Likely benign (1). 2 of the submissions do not count toward it. Last evaluated 2023-12-13.

Conditions:
SLC26A4-related disorder. Also called: SLC26A4-related condition; SLC26A4-related disorders.
Pendred syndrome (PDS). Also called: DEAFNESS WITH GOITER; GOITER-DEAFNESS SYNDROME; HYPOTHYROIDISM, CONGENITAL, DUE TO DYSHORMONOGENESIS, 2B; Pendred Syndrome (PDS); Pendred's syndrome; THYROID DYSHORMONOGENESIS 2B. Identifiers: Orphanet 705, MedGen C0271829, MONDO:0010134, OMIM 274600.

Allele frequency attached by ClinVar (database versions not stated): gnomAD exomes below 0.00001; TOPMed 0.00001.
gnomAD v4.1: 1 of 1,607,442 alleles (0.000062%); highest among the groups gnomAD compares: East Asian, 0.0022%; no homozygotes.

Submissions (3):

Labcorp Genetics (formerly Invitae), Labcorp
Classification: Likely benign. Last evaluated: 2023-12-13. Review status: criteria provided, single submitter. Criteria: Invitae Variant Classification Sherloc (09022015). Collection method: clinical testing. Allele origin: germline.

PreventionGenetics, part of Exact Sciences
Classification: Likely benign for SLC26A4-related condition. Last evaluated: 2023-06-06. Review status: no assertion criteria provided. Collection method: clinical testing. Allele origin: germline. Not counted in ClinVar's aggregate classification.
Comment: This variant is classified as likely benign based on ACMG/AMP sequence variant interpretation guidelines (Richards et al. 2015 PMID: 25741868, with internal and published modifications).

Counsyl
Classification: Uncertain significance for Pendred syndrome. Last evaluated: 2017-04-19. Review status: no assertion criteria provided. Collection method: clinical testing. Allele origin: unknown. Not counted in ClinVar's aggregate classification.

Literature cited by the submitters: PubMed 23185506 (cited by Counsyl).